The following is an entry in ClinVar:

ClinVar aggregate classification (germline): Uncertain significance (1 of 4 stars; one submission).

Conditions:
Hereditary cancer-predisposing syndrome. Also called: Hereditary Cancer Syndrome; Hereditary neoplastic syndrome; Neoplastic Syndromes, Hereditary; Tumor predisposition. Identifiers: Orphanet 140162, MedGen C0027672, MeSH D009386, MONDO:0015356.

Submission:

Sema4
Classification: Uncertain significance for Hereditary cancer-predisposing syndrome. Last evaluated: 2021-12-10. Review status: criteria provided, single submitter. Criteria: Sema4 Curation Guidelines. Collection method: curation. Allele origin: germline.
Comment: The PTCH1 c.2781C>G (p.V927=) variant has not been reported in the literature to our knowledge. It was not observed in the large and broad cohorts of the Genome Aggregation Database (PMID: 32461654). The variant has not been reported in ClinVar. In silico tools suggest the variant may have an impact on splicing though these predictions have not been confirmed by functional studies. The evidence is insufficient to meet ACMG/AMP criteria for classifying the variant as benign or pathogenic. Thus, the clinical significance of this variant is currently uncertain.

NM_000264.5(PTCH1):c.2781C>G (p.Val927=)

Gene: PTCH1 (patched 1; minus strand). Cytogenetic location: 9q22.32.
Variant type: single nucleotide variant.
Coding change: c.2781C>G on transcript NM_000264.5 (MANE Select); coding-DNA position 2781, C replaced by G.
Protein change: p.Val927=; no amino-acid change (valine 927 retained).
Molecular consequence: synonymous variant. On other transcripts: non-coding transcript variant (1).
Genome position (GRCh38, 1-based): chr9:95,459,706, G>C on the plus strand (C>G on the coding strand, the complement: PTCH1 is on the minus strand). VCF-style: chr9-95459706-G-C. GRCh37 (hg19) VCF-style: chr9-98221988-G-C.
Other names: c.2583C>G, p.Val861= (NM_001083602.3); c.2778C>G, p.Val926= (NM_001083603.3); c.2328C>G, p.Val776= (NM_001083604.3, NM_001083605.3, NM_001083606.3 and 1 more transcripts); c.2625C>G, p.Val875= (NM_001354918.2).
Identifiers: ClinVar variation 1692309 (VCV001692309.1), dbSNP rs2136671987, ClinGen allele CA466111746.